The following is an entry in ClinVar:

ClinVar aggregate classification (germline): Uncertain significance. Review status: criteria provided, multiple submitters, no conflicts (2 of 4 stars). 2 submissions from 2 submitters: Uncertain significance (2). Last evaluated 2026-01-06.

Conditions:
Hereditary cancer-predisposing syndrome. Also called: Hereditary Cancer Syndrome; Neoplastic Syndromes, Hereditary; Tumor predisposition; Hereditary neoplastic syndrome. Identifiers: Orphanet 140162, MedGen C0027672, MeSH D009386, MONDO:0015356.
Ataxia-telangiectasia syndrome (AT). Also called: Cerebello-oculocutaneous telangiectasia; Immunodeficiency with ataxia telangiectasia; Ataxia-telangiectasia, complementation group E; Ataxia-telangiectasia, complementation group D; AT, COMPLEMENTATION GROUP C; ATAXIA-TELANGIECTASIA, COMPLEMENTATION GROUP A. Identifiers: Orphanet 100, MedGen C0004135, MONDO:0008840, OMIM 208900.

Submissions (2):

Ambry Genetics
Classification: Uncertain significance for Hereditary cancer-predisposing syndrome. Last evaluated: 2026-01-06. Review status: criteria provided, single submitter. Criteria: Ambry Variant Classification Scheme 2023. Collection method: clinical testing. Allele origin: germline.
Comment: The p.I2064T variant (also known as c.6191T>C), located in coding exon 41 of the ATM gene, results from a T to C substitution at nucleotide position 6191. The isoleucine at codon 2064 is replaced by threonine, an amino acid with similar properties. In an assay testing ATM function, this variant showed a functionally abnormal result (Lee KS et al. Cell, 2025 Sep;188:5081-5099.e27). This amino acid position is highly conserved in available vertebrate species. In addition, the in silico prediction for this alteration is inconclusive. Based on the available evidence, the clinical significance of this variant remains unclear.

Labcorp Genetics (formerly Invitae), Labcorp
Classification: Uncertain significance for Ataxia-telangiectasia syndrome. Last evaluated: 2025-06-15. Review status: criteria provided, single submitter. Criteria: Invitae Variant Classification Sherloc (09022015). Collection method: clinical testing. Allele origin: germline.
Comment: This sequence change replaces isoleucine, which is neutral and non-polar, with threonine, which is neutral and polar, at codon 2064 of the ATM protein (p.Ile2064Thr). This variant is not present in population databases (gnomAD no frequency). This variant has not been reported in the literature in individuals affected with ATM-related conditions. ClinVar contains an entry for this variant (Variation ID: 524246). Invitae Evidence Modeling of protein sequence and biophysical properties (such as structural, functional, and spatial information, amino acid conservation, physicochemical variation, residue mobility, and thermodynamic stability) indicates that this missense variant is not expected to disrupt ATM protein function with a negative predictive value of 95%. In summary, the available evidence is currently insufficient to determine the role of this variant in disease. Therefore, it has been classified as a Variant of Uncertain Significance.

Literature cited by the submitters: PubMed 40580951 (cited by Ambry Genetics).

NM_000051.4(ATM):c.6191T>C (p.Ile2064Thr)

Genes: ATM (ATM serine/threonine kinase; plus strand), C11orf65 (chromosome 11 open reading frame 65; minus strand). Cytogenetic location: 11q22.3.
Variant type: single nucleotide variant.
Coding change: c.6191T>C on transcript NM_000051.4 (MANE Select); coding-DNA position 6191, T replaced by C.
Protein change: p.Ile2064Thr; replaces isoleucine 2064 with threonine.
Molecular consequence: missense variant. On other transcripts: intron variant (2).
Genome position (GRCh38, 1-based): chr11:108,316,106, T>C. VCF-style: chr11-108316106-T-C. GRCh37 (hg19) VCF-style: chr11-108186833-T-C.
Other names: c.6191T>C, p.Ile2064Thr (NM_001351834.2); c.641-7035A>G (NM_001330368.2); c.*39-7035A>G (NM_001351110.2); short protein forms I2064T.
Identifiers: ClinVar variation 524246 (VCV000524246.8), dbSNP rs1555113854, ClinGen allele CA382550775.